The following is an entry in ClinVar:

NM_017654.4(SAMD9):c.3479C>T (p.Ser1160Leu)

Gene: SAMD9 (sterile alpha motif domain containing 9; minus strand). Cytogenetic location: 7q21.2.
Variant type: single nucleotide variant.
Coding change: c.3479C>T on transcript NM_017654.4 (MANE Select); coding-DNA position 3479, C replaced by T.
Protein change: p.Ser1160Leu; replaces serine 1160 with leucine.
Molecular consequence: missense variant.
Genome position (GRCh38, 1-based): chr7:93,102,619, G>A on the plus strand (C>T on the coding strand, the complement: SAMD9 is on the minus strand). VCF-style: chr7-93102619-G-A. GRCh37 (hg19) VCF-style: chr7-92731932-G-A.
Other names: c.3479C>T, p.Ser1160Leu (NM_001193307.2); short protein forms S1160L.
Identifiers: ClinVar variation 4863848 (VCV004863848.1).

ClinVar aggregate classification (germline): Uncertain significance (1 of 4 stars; one submission).

Conditions:
Inborn genetic diseases. Identifiers: MedGen C0950123, MeSH D030342.

Submission:

Ambry Genetics
Classification: Uncertain significance for Inborn genetic diseases. Last evaluated: 2026-05-14. Review status: criteria provided, single submitter. Criteria: Ambry Variant Classification Scheme 2023. Collection method: clinical testing. Allele origin: germline.
Comment: The p.S1160L variant (also known as c.3479C>T), located in coding exon 1 of the SAMD9 gene, results from a C to T substitution at nucleotide position 3479. The serine at codon 1160 is replaced by leucine, an amino acid with dissimilar properties. This amino acid position is conserved. In addition, this alteration is predicted to be tolerated by in silico analysis. Based on the available evidence, the clinical significance of this variant remains unclear.